The following is an entry in ClinVar:

NM_000052.7(ATP7A):c.1574C>G (p.Ala525Gly)

Gene: ATP7A (ATPase copper transporting alpha; plus strand). Cytogenetic location: Xq21.1.
Variant type: single nucleotide variant.
Coding change: c.1574C>G on transcript NM_000052.7 (MANE Select); coding-DNA position 1574, C replaced by G.
Protein change: p.Ala525Gly; replaces alanine 525 with glycine.
Molecular consequence: missense variant.
Genome position (GRCh38, 1-based): chrX:78,003,103, C>G. VCF-style: chrX-78003103-C-G. GRCh37 (hg19) VCF-style: chrX-77258600-C-G.
Other names: c.1574C>G, p.Ala525Gly (NM_001282224.2); c.1574C>G (NM_000052.4); short protein forms A525G.
Identifiers: ClinVar variation 853877 (VCV000853877.13), dbSNP rs368355216, ClinGen allele CA10459070.

ClinVar aggregate classification (germline): Conflicting classifications of pathogenicity. Review status: criteria provided, conflicting classifications (1 of 4 stars). 3 submissions from 3 submitters: Uncertain significance (1); Likely benign (1). 1 of the submissions does not count toward it. Last evaluated 2025-03-30.

Conditions:
Menkes kinky-hair syndrome (MNK). Also called: Copper transport disease; Classic Menkes Disease; Menkes Disease. Identifiers: Orphanet 565, MedGen C0022716, MONDO:0010651, OMIM 309400.
Cutis laxa, X-linked (OHS). Also called: EDS IX; Occipital horn syndrome. Identifiers: Orphanet 198, MedGen C0268353, MONDO:0010572, OMIM 304150.
X-linked distal spinal muscular atrophy type 3. Also called: SPINAL MUSCULAR ATROPHY, DISTAL, X-LINKED RECESSIVE; NEURONOPATHY, DISTAL HEREDITARY MOTOR, X-LINKED; NEUROPATHY, DISTAL HEREDITARY MOTOR, X-LINKED; ATP7A-Related Distal Motor Neuropathy. Identifiers: Orphanet 139557, MedGen C1845359, MONDO:0010338, OMIM 300489.
Inborn genetic diseases. Identifiers: MedGen C0950123, MeSH D030342.

Allele frequency attached by ClinVar (database versions not stated): ExAC 0.00001; gnomAD 0.00001; gnomAD exomes 0.00001; TOPMed 0.00001; ESP Exome Variant Server 0.00009.
gnomAD v4.1: 13 of 1,207,973 alleles (0.0011%); highest among the groups gnomAD compares: Non-Finnish European, 0.0013%; no homozygotes.

Submissions (3):

Labcorp Genetics (formerly Invitae), Labcorp
Classification: Likely benign for X-linked distal spinal muscular atrophy type 3; Cutis laxa, X-linked; Menkes kinky-hair syndrome. Last evaluated: 2025-03-30. Review status: criteria provided, single submitter. Criteria: Invitae Variant Classification Sherloc (09022015). Collection method: clinical testing. Allele origin: germline.

Ambry Genetics
Classification: Uncertain significance for Inborn genetic diseases. Last evaluated: 2022-02-28. Review status: criteria provided, single submitter. Criteria: Ambry Variant Classification Scheme 2023. Collection method: clinical testing. Allele origin: germline.
Comment: The p.A525G variant (also known as c.1574C>G), located in coding exon 5 of the ATP7A gene, results from a C to G substitution at nucleotide position 1574. The alanine at codon 525 is replaced by glycine, an amino acid with similar properties. This amino acid position is highly conserved in available vertebrate species. In addition, the in silico prediction for this alteration is inconclusive. Since supporting evidence is limited at this time, the clinical significance of this alteration remains unclear.

Natera, Inc.
Classification: Uncertain significance for Menkes kinky hair syndrome. Last evaluated: 2019-12-31. Review status: no assertion criteria provided. Collection method: clinical testing. Allele origin: germline. Not counted in ClinVar's aggregate classification.